The following is an entry in ClinVar:

NM_002055.5(GFAP):c.344T>C (p.Val115Ala)

Gene: GFAP (glial fibrillary acidic protein; minus strand). Cytogenetic location: 17q21.31.
Variant type: single nucleotide variant.
Coding change: c.344T>C on transcript NM_002055.5 (MANE Select); coding-DNA position 344, T replaced by C.
Protein change: p.Val115Ala; replaces valine 115 with alanine.
Molecular consequence: missense variant.
Genome position (GRCh38, 1-based): chr17:44,915,143, A>G on the plus strand (T>C on the coding strand, the complement: GFAP is on the minus strand). VCF-style: chr17-44915143-A-G. GRCh37 (hg19) VCF-style: chr17-42992511-A-G.
Other names: c.344T>C, p.Val115Ala (NM_001131019.3, NM_001242376.3, NM_001363846.2); short protein forms V115A.
Identifiers: ClinVar variation 2761694 (VCV002761694.3), dbSNP rs2508949073, ClinGen allele CA399848288.

ClinVar aggregate classification (germline): Uncertain significance (1 of 4 stars; one submission).

Submission:

Labcorp Genetics (formerly Invitae), Labcorp
Classification: Uncertain significance. Last evaluated: 2026-01-27. Review status: criteria provided, single submitter. Criteria: Invitae Variant Classification Sherloc (09022015). Collection method: clinical testing. Allele origin: germline.
Comment: This sequence change replaces valine, which is neutral and non-polar, with alanine, which is neutral and non-polar, at codon 115 of the GFAP protein (p.Val115Ala). This variant is not present in population databases (gnomAD no frequency). This variant has not been reported in the literature in individuals affected with GFAP-related conditions. ClinVar contains an entry for this variant (Variation ID: 2761694). Invitae Evidence Modeling of protein sequence and biophysical properties (such as structural, functional, and spatial information, amino acid conservation, physicochemical variation, residue mobility, and thermodynamic stability) has been performed for this missense variant. However, the output from this modeling did not meet the statistical confidence thresholds required to predict the impact of this variant on GFAP protein function. In summary, the available evidence is currently insufficient to determine the role of this variant in disease. Therefore, it has been classified as a Variant of Uncertain Significance.